The following is an entry in ClinVar:

ClinVar aggregate classification (germline): Likely benign (1 of 4 stars; one submission).

Allele frequency attached by ClinVar (database versions not stated): gnomAD exomes below 0.00001; TOPMed below 0.00001; gnomAD 0.00001.
gnomAD v4.1: 2 of 1,613,798 alleles (0.00012%); highest among the groups gnomAD compares: Non-Finnish European, 0.00017%; no homozygotes.

Submission:

GeneDx
Classification: Likely benign. Last evaluated: 2017-11-02. Review status: criteria provided, single submitter. Criteria: GeneDx Variant Classification (06012015). Collection method: clinical testing. Allele origin: germline. Affected: yes.
Comment: This variant is considered likely benign or benign based on one or more of the following criteria: it is a conservative change, it occurs at a poorly conserved position in the protein, it is predicted to be benign by multiple in silico algorithms, and/or has population frequency not consistent with disease.

NM_000093.5(COL5A1):c.4698+20C>T

Genes: COL5A1 (collagen type V alpha 1 chain; plus strand), LOC101448202 (uncharacterized LOC101448202; minus strand). Cytogenetic location: 9q34.3.
Variant type: single nucleotide variant.
Coding change: c.4698+20C>T on transcript NM_000093.5 (MANE Select); 20 bases into the intron after coding-DNA position 4698, C replaced by T.
Molecular consequence: intron variant.
Genome position (GRCh38, 1-based): chr9:134,823,489, C>T. VCF-style: chr9-134823489-C-T. GRCh37 (hg19) VCF-style: chr9-137715335-C-T.
Other names: c.4698+20C>T (NM_001278074.1).
Identifiers: ClinVar variation 513032 (VCV000513032.1), dbSNP rs1440361056, ClinGen allele CA658797354.